The following is an entry in ClinVar:

NM_000836.4(GRIN2D):c.998C>A (p.Ala333Asp)

Gene: GRIN2D (glutamate ionotropic receptor NMDA type subunit 2D; plus strand). Cytogenetic location: 19q13.33.
Variant type: single nucleotide variant.
Coding change: c.998C>A on transcript NM_000836.4 (MANE Select); coding-DNA position 998, C replaced by A.
Protein change: p.Ala333Asp; replaces alanine 333 with aspartic acid.
Molecular consequence: missense variant.
Genome position (GRCh38, 1-based): chr19:48,405,266, C>A. VCF-style: chr19-48405266-C-A. GRCh37 (hg19) VCF-style: chr19-48908523-C-A.
Other names: short protein forms A333D.
Identifiers: ClinVar variation 1382239 (VCV001382239.8), dbSNP rs1228608436, ClinGen allele CA406693146.

ClinVar aggregate classification (germline): Uncertain significance (1 of 4 stars; one submission).

Allele frequency attached by ClinVar (database versions not stated): gnomAD exomes below 0.00001.
gnomAD v4.1: 1 of 1,599,772 alleles (0.000063%); highest among the groups gnomAD compares: Non-Finnish European, 0.000085%; no homozygotes.

Submission:

Labcorp Genetics (formerly Invitae), Labcorp
Classification: Uncertain significance. Last evaluated: 2022-06-03. Review status: criteria provided, single submitter. Criteria: Invitae Variant Classification Sherloc (09022015). Collection method: clinical testing. Allele origin: germline.
Comment: This sequence change replaces alanine, which is neutral and non-polar, with aspartic acid, which is acidic and polar, at codon 333 of the GRIN2D protein (p.Ala333Asp). This variant is not present in population databases (gnomAD no frequency). This variant has not been reported in the literature in individuals affected with GRIN2D-related conditions. ClinVar contains an entry for this variant (Variation ID: 1382239). Advanced modeling of protein sequence and biophysical properties (such as structural, functional, and spatial information, amino acid conservation, physicochemical variation, residue mobility, and thermodynamic stability) performed at Invitae indicates that this missense variant is not expected to disrupt GRIN2D protein function. In summary, the available evidence is currently insufficient to determine the role of this variant in disease. Therefore, it has been classified as a Variant of Uncertain Significance.